The following is an entry in ClinVar:

ClinVar aggregate classification (germline): Conflicting classifications of pathogenicity. Review status: criteria provided, conflicting classifications (1 of 4 stars). 2 submissions from 2 submitters: Uncertain significance (1); Likely benign (1). Last evaluated 2024-09-20.

Conditions:
MOGS-congenital disorder of glycosylation. Also called: GLUCOSIDASE I DEFICIENCY; MOGS-CDG; CDG 2B; CDG IIb. Identifiers: Orphanet 79330, MedGen C1853736, MONDO:0011629, OMIM 606056.

Allele frequency attached by ClinVar (database versions not stated): ExAC 0.00001; gnomAD exomes 0.00001; TOPMed 0.00002.
gnomAD v4.1: 13 of 1,614,110 alleles (0.00081%); highest among the groups gnomAD compares: African/African-American, 0.0027%; no homozygotes.

Submissions (2):

3billion
Classification: Likely benign for MOGS-congenital disorder of glycosylation. Last evaluated: 2024-09-20. Review status: criteria provided, single submitter. Criteria: ACMG Guidelines, 2015. Collection method: clinical testing. Allele origin: germline. Affected: no.
Comment: The homozygous variant was found in patients diagnosed with another variant in a different gene, with no symptoms related to the gene containing the homozygous variant.

Labcorp Genetics (formerly Invitae), Labcorp
Classification: Uncertain significance for MOGS-congenital disorder of glycosylation. Last evaluated: 2023-07-07. Review status: criteria provided, single submitter. Criteria: Invitae Variant Classification Sherloc (09022015). Collection method: clinical testing. Allele origin: germline.
Comment: In summary, the available evidence is currently insufficient to determine the role of this variant in disease. Therefore, it has been classified as a Variant of Uncertain Significance. Advanced modeling of protein sequence and biophysical properties (such as structural, functional, and spatial information, amino acid conservation, physicochemical variation, residue mobility, and thermodynamic stability) performed at Invitae indicates that this missense variant is not expected to disrupt MOGS protein function. ClinVar contains an entry for this variant (Variation ID: 1004777). This variant has not been reported in the literature in individuals affected with MOGS-related conditions. This variant is present in population databases (rs769741414, gnomAD 0.0009%). This sequence change replaces arginine, which is basic and polar, with glutamine, which is neutral and polar, at codon 563 of the MOGS protein (p.Arg563Gln).

NM_006302.3(MOGS):c.1688G>A (p.Arg563Gln)

Gene: MOGS (mannosyl-oligosaccharide glucosidase; minus strand). Cytogenetic location: 2p13.1.
Variant type: single nucleotide variant.
Coding change: c.1688G>A on transcript NM_006302.3 (MANE Select); coding-DNA position 1688, G replaced by A.
Protein change: p.Arg563Gln; replaces arginine 563 with glutamine.
Molecular consequence: missense variant.
Genome position (GRCh38, 1-based): chr2:74,462,101, C>T on the plus strand (G>A on the coding strand, the complement: MOGS is on the minus strand). VCF-style: chr2-74462101-C-T. GRCh37 (hg19) VCF-style: chr2-74689228-C-T.
Other names: c.1370G>A, p.Arg457Gln (NM_001146158.2); short protein forms R457Q, R563Q.
Identifiers: ClinVar variation 1004777 (VCV001004777.10), dbSNP rs769741414, ClinGen allele CA1724737.